The following is an entry in ClinVar:

ClinVar aggregate classification (germline): Uncertain significance. Review status: criteria provided, multiple submitters, no conflicts (2 of 4 stars). 2 submissions from 2 submitters: Uncertain significance (2). Last evaluated 2025-12-22.

Conditions:
CHRNB1-related disorder. Also called: CHRNB1-related condition.
Congenital myasthenic syndrome 2A. Also called: Myasthenic syndrome, congenital, 2a, slow-channel. Identifiers: Orphanet 590, MedGen C4225374, MONDO:0014581, OMIM 616313.

Submissions (2):

PreventionGenetics, part of Exact Sciences
Classification: Uncertain significance for CHRNB1-related condition. Last evaluated: 2025-12-22. Review status: criteria provided, single submitter. Criteria: ACMG Guidelines, 2015. Collection method: clinical testing. Allele origin: germline.
Comment: The CHRNB1 c.1151G>T variant is predicted to result in the amino acid substitution p.Gly384Val. To our knowledge, this variant has not been reported in the literature or in a large population database (gnomAD), indicating this variant is rare. At this time, the clinical significance of this variant is uncertain due to the absence of conclusive functional and genetic evidence.

Labcorp Genetics (formerly Invitae), Labcorp
Classification: Uncertain significance for Congenital myasthenic syndrome 2A. Last evaluated: 2024-04-13. Review status: criteria provided, single submitter. Criteria: Invitae Variant Classification Sherloc (09022015). Collection method: clinical testing. Allele origin: germline.
Comment: This sequence change replaces glycine, which is neutral and non-polar, with valine, which is neutral and non-polar, at codon 384 of the CHRNB1 protein (p.Gly384Val). This variant is not present in population databases (gnomAD no frequency). This variant has not been reported in the literature in individuals affected with CHRNB1-related conditions. Advanced modeling of protein sequence and biophysical properties (such as structural, functional, and spatial information, amino acid conservation, physicochemical variation, residue mobility, and thermodynamic stability) performed at Invitae indicates that this missense variant is not expected to disrupt CHRNB1 protein function with a negative predictive value of 80%. In summary, the available evidence is currently insufficient to determine the role of this variant in disease. Therefore, it has been classified as a Variant of Uncertain Significance.

NM_000747.3(CHRNB1):c.1151G>T (p.Gly384Val)

Gene: CHRNB1 (cholinergic receptor nicotinic beta 1 subunit; plus strand). Cytogenetic location: 17p13.1.
Variant type: single nucleotide variant.
Coding change: c.1151G>T on transcript NM_000747.3 (MANE Select); coding-DNA position 1151, G replaced by T.
Protein change: p.Gly384Val; replaces glycine 384 with valine.
Molecular consequence: missense variant.
Genome position (GRCh38, 1-based): chr17:7,455,390, G>T. VCF-style: chr17-7455390-G-T. GRCh37 (hg19) VCF-style: chr17-7358709-G-T.
Other names: c.1151G>T (NM_000747.2); short protein forms G384V.
Identifiers: ClinVar variation 3620469 (VCV003620469.3).